The following is an entry in ClinVar:

ClinVar aggregate classification (germline): Uncertain significance (1 of 4 stars; one submission).

Conditions:
Hereditary cancer-predisposing syndrome. Also called: Neoplastic Syndromes, Hereditary; Tumor predisposition; Hereditary Cancer Syndrome; Hereditary neoplastic syndrome. Identifiers: Orphanet 140162, MedGen C0027672, MeSH D009386, MONDO:0015356.

Allele frequency attached by ClinVar (database versions not stated): ExAC 0.00001.

Submission:

Labcorp Genetics (formerly Invitae), Labcorp
Classification: Uncertain significance for Hereditary cancer-predisposing syndrome. Last evaluated: 2024-02-23. Review status: criteria provided, single submitter. Criteria: Invitae Variant Classification Sherloc (09022015). Collection method: clinical testing. Allele origin: germline.
Comment: This sequence change replaces methionine, which is neutral and non-polar, with isoleucine, which is neutral and non-polar, at codon 100 of the RAD50 protein (p.Met100Ile). This variant is present in population databases (rs757638011, gnomAD 0.0009%). This variant has not been reported in the literature in individuals affected with RAD50-related conditions. ClinVar contains an entry for this variant (Variation ID: 457429). Advanced modeling of protein sequence and biophysical properties (such as structural, functional, and spatial information, amino acid conservation, physicochemical variation, residue mobility, and thermodynamic stability) performed at Invitae indicates that this missense variant is not expected to disrupt RAD50 protein function with a negative predictive value of 80%. In summary, the available evidence is currently insufficient to determine the role of this variant in disease. Therefore, it has been classified as a Variant of Uncertain Significance.

NM_005732.4(RAD50):c.300G>A (p.Met100Ile)

Gene: RAD50 (RAD50 double strand break repair protein; plus strand). Cytogenetic location: 5q31.1.
Variant type: single nucleotide variant.
Coding change: c.300G>A on transcript NM_005732.4 (MANE Select); coding-DNA position 300, G replaced by A.
Protein change: p.Met100Ile; replaces methionine 100 with isoleucine.
Molecular consequence: missense variant.
Genome position (GRCh38, 1-based): chr5:132,575,863, G>A. VCF-style: chr5-132575863-G-A. GRCh37 (hg19) VCF-style: chr5-131911555-G-A.
Other names: short protein forms M100I.
Identifiers: ClinVar variation 457429 (VCV000457429.11), dbSNP rs757638011, ClinGen allele CA3404952.
Genomic context (GRCh38, chr5:132,575,863, plus strand): 5'-CCAGATTCGTCTGCAATTTCGTGATGTCAATGGAGAACTTATAGCTGTGCAAAGATCTAT[G>A]GTGTGTACTCAGAAAAGCAAAAAGACAGAATTTAAAACTCTGGAAGGAGTCATTACTAGA-3'
Protein context (NP_005723.2, residues 90-110): NGELIAVQRS[Met100Ile]VCTQKSKKTE